The following is an entry in ClinVar:

ClinVar aggregate classification (germline): Pathogenic/Likely pathogenic. Review status: criteria provided, multiple submitters, no conflicts (2 of 4 stars). 7 submissions from 7 submitters: Pathogenic (4); Likely pathogenic (2). 1 of the submissions does not count toward it. Last evaluated 2022-03-31.

Conditions:
Inborn genetic diseases. Identifiers: MedGen C0950123, MeSH D030342.
Neurodevelopmental disorder with or without variable brain abnormalities; NEDBA. Also called: NEURODEVELOPMENTAL DISORDER WITH OR WITHOUT VARIABLE BRAIN ABNORMALITIES. Identifiers: MedGen C5193102, MONDO:0032755, OMIM 618443.
MAPK8IP3-related disorder. Also called: MAPK8IP3-related condition.

Submissions (7):

Victorian Clinical Genetics Services, Murdoch Childrens Research Institute
Classification: Pathogenic for Neurodevelopmental disorder with or without variable brain abnormalities; NEDBA. Last evaluated: 2022-03-31. Review status: criteria provided, single submitter. Criteria: ACMG Guidelines, 2015. Collection method: clinical testing. Allele origin: germline. Inheritance: Autosomal dominant inheritance.
Comment: Based on the classification scheme VCGS_Germline_v1.3.4, this variant is classified as Pathogenic. Following criteria are met: 0102 - Loss of function is a known mechanism of disease in this gene and is associated with neurodevelopmental disorder with or without variable brain abnormalities (MIM#618443). (I) 0107 - This gene is associated with autosomal dominant disease. (I) 0200 - Variant is predicted to result in a missense amino acid change from arginine to cysteine. (I) 0251 - This variant is heterozygous. (I) 0301 - Variant is absent from gnomAD (both v2 and v3). (SP) 0501 - Missense variant consistently predicted to be damaging by multiple in silico tools or highly conserved with a major amino acid change. (SP) 0600 - Variant is located in the annotated WD40 repeated domain (DECIPHER). (I) 0801 - This variant has strong previous evidence of pathogenicity in unrelated individuals. It has been reported de novo in at least five individuals with neurodevelopmental disorder with or without variable brain abnormalities (MIM#618443) and consistently classified as pathogenic by diagnostic laboratories in ClinVar (DECIPHER, PMID: 30612693, 30945334). (SP) Legend: (SP) - Supporting pathogenic, (I) - Information, (SB) - Supporting benign

Blueprint Genetics
Classification: Pathogenic for MAPK8IP3-related disorders. Last evaluated: 2021-08-10. Review status: criteria provided, single submitter. Criteria: ACMG Guidelines, 2015. Collection method: clinical testing. Allele origin: de novo. Affected: yes. Observed: 2 variant alleles.

Institute of Human Genetics Munich, TUM University Hospital
Classification: Pathogenic for Neurodevelopmental disorder with or without variable brain abnormalities; NEDBA. Last evaluated: 2020-03-23. Review status: criteria provided, single submitter. Criteria: Classification criteria August 2017. Collection method: clinical testing. Allele origin: de novo. Inheritance: Autosomal dominant inheritance. Affected: yes. Observed: 1 heterozygote.

SIB Swiss Institute of Bioinformatics
Classification: Likely pathogenic for Neurodevelopmental disorder with or without variable brain abnormalities; NEDBA. Last evaluated: 2019-10-02. Review status: criteria provided, single submitter. Criteria: ACMG Guidelines, 2015. Collection method: curation. Allele origin: unknown.
Comment: This variant is interpreted as a Likely pathogenic for Neurodevelopmental disorder with or without variable brain abnormalities, autosomal dominant. The following ACMG Tag(s) were applied: PM2, PM6, PP3, PS3-Moderate, PS4-Supporting.

Ambry Genetics
Classification: Pathogenic for Inborn genetic diseases. Last evaluated: 2019-07-03. Review status: criteria provided, single submitter. Criteria: Ambry exome assertion method (8-5-2015). Collection method: clinical testing. Allele origin: germline. Affected: yes. Observed: 1 variant allele.

Institute of Human Genetics, University of Leipzig Medical Center
Classification: Likely pathogenic for Neurodevelopmental disorder with or without variable brain abnormalities; NEDBA. Last evaluated: 2019-02-07. Review status: criteria provided, single submitter. Criteria: ACMG Guidelines, 2015. Collection method: clinical testing. Allele origin: de novo. Affected: yes.
Comment: This variant was identified as de novo (maternity and paternity confirmed).

OMIM
Classification: Pathogenic for NEURODEVELOPMENTAL DISORDER WITH VARIABLE BRAIN ABNORMALITIES. Last evaluated: 2019-05-23. Review status: no assertion criteria provided. Collection method: literature only. Allele origin: germline. Not counted in ClinVar's aggregate classification.

Literature cited by the submitters: PubMed 30612693 (cited by 5 submitters); PubMed 30945334 (cited by 4 submitters).

NM_001318852.2(MAPK8IP3):c.3439C>T (p.Arg1147Cys)

Gene: MAPK8IP3 (mitogen-activated protein kinase 8 interacting protein 3; plus strand). Cytogenetic location: 16p13.3.
Variant type: single nucleotide variant.
Coding change: c.3439C>T on transcript NM_001318852.2 (MANE Select); coding-DNA position 3439, C replaced by T.
Protein change: p.Arg1147Cys; replaces arginine 1147 with cysteine.
Molecular consequence: missense variant.
Genome position (GRCh38, 1-based): chr16:1,767,834, C>T. VCF-style: chr16-1767834-C-T. GRCh37 (hg19) VCF-style: chr16-1817835-C-T.
Other names: c.3418C>T, p.Arg1140Cys (NM_001040439.2); c.3436C>T, p.Arg1146Cys (NM_015133.5); short protein forms R1146C, R1140C, R1147C.
Identifiers: ClinVar variation 632565 (VCV000632565.12), dbSNP rs1567214097, ClinGen allele CA394238515.